The following is an entry in ClinVar:

ClinVar aggregate classification (germline): Uncertain significance (1 of 4 stars; one submission).

Conditions:
Ataxia-telangiectasia syndrome (AT). Also called: ATAXIA-TELANGIECTASIA, COMPLEMENTATION GROUP A; ATAXIA-TELANGIECTASIA, FRESNO VARIANT; Ataxia-telangiectasia, complementation group D; AT, COMPLEMENTATION GROUP C; Cerebello-oculocutaneous telangiectasia; Immunodeficiency with ataxia telangiectasia. Identifiers: Orphanet 100, MedGen C0004135, MONDO:0008840, OMIM 208900.

Allele frequency attached by ClinVar (database versions not stated): gnomAD exomes below 0.00001.
gnomAD v4.1: 1 of 1,613,482 alleles (0.000062%); highest among the groups gnomAD compares: Non-Finnish European, 0.000085%; no homozygotes.

Submission:

Labcorp Genetics (formerly Invitae), Labcorp
Classification: Uncertain significance for Ataxia-telangiectasia syndrome. Last evaluated: 2020-07-22. Review status: criteria provided, single submitter. Criteria: Invitae Variant Classification Sherloc (09022015). Collection method: clinical testing. Allele origin: germline.
Comment: This sequence change replaces asparagine with lysine at codon 992 of the ATM protein (p.Asn992Lys). The asparagine residue is weakly conserved and there is a moderate physicochemical difference between asparagine and lysine. This variant is not present in population databases (ExAC no frequency). This variant has not been reported in the literature in individuals with ATM-related conditions. Advanced modeling of protein sequence and biophysical properties (such as structural, functional, and spatial information, amino acid conservation, physicochemical variation, residue mobility, and thermodynamic stability) performed at Invitae indicates that this missense variant is not expected to disrupt ATM protein function. In summary, the available evidence is currently insufficient to determine the role of this variant in disease. Therefore, it has been classified as a Variant of Uncertain Significance.

NM_000051.4(ATM):c.2976C>A (p.Asn992Lys)

Gene: ATM (ATM serine/threonine kinase; plus strand). Cytogenetic location: 11q22.3.
Variant type: single nucleotide variant.
Coding change: c.2976C>A on transcript NM_000051.4 (MANE Select); coding-DNA position 2976, C replaced by A.
Protein change: p.Asn992Lys; replaces asparagine 992 with lysine.
Molecular consequence: missense variant.
Genome position (GRCh38, 1-based): chr11:108,271,305, C>A. VCF-style: chr11-108271305-C-A. GRCh37 (hg19) VCF-style: chr11-108142032-C-A.
Other names: c.2976C>A, p.Asn992Lys (NM_001351834.2); short protein forms N992K.
Identifiers: ClinVar variation 1042661 (VCV001042661.8), dbSNP rs1283172338, ClinGen allele CA382547291.